The following is an entry in ClinVar:

ClinVar aggregate classification (germline): Likely benign. Review status: criteria provided, multiple submitters, no conflicts (2 of 4 stars). 3 submissions from 3 submitters: Likely benign (2). 1 of the submissions does not count toward it. Last evaluated 2025-03-17.

Conditions:
TUB-related disorder. Also called: TUB-related condition.

Allele frequency attached by ClinVar (database versions not stated): gnomAD exomes 0.00011 and 0.00016; ExAC 0.00018; 1000 Genomes Project 0.00020; gnomAD 0.00022 and 0.00023; TOPMed 0.00022; 1000 Genomes Project 30x 0.00031; ESP Exome Variant Server 0.00046.
gnomAD v4.1: 201 of 1,614,028 alleles (0.012%); highest among the groups gnomAD compares: Middle Eastern, 0.066%; no homozygotes.

Submissions (3):

Labcorp Genetics (formerly Invitae), Labcorp
Classification: Likely benign. Last evaluated: 2025-03-17. Review status: criteria provided, single submitter. Criteria: Invitae Variant Classification Sherloc (09022015). Collection method: clinical testing. Allele origin: germline.

Blueprint Genetics
Classification: Likely benign. Last evaluated: 2024-09-16. Review status: criteria provided, single submitter. Criteria: ACMG Guidelines, 2015. Collection method: clinical testing. Allele origin: germline.

PreventionGenetics, part of Exact Sciences
Classification: Likely benign for TUB-related condition. Last evaluated: 2019-08-29. Review status: no assertion criteria provided. Collection method: clinical testing. Allele origin: germline. Not counted in ClinVar's aggregate classification.
Comment: This variant is classified as likely benign based on ACMG/AMP sequence variant interpretation guidelines (Richards et al. 2015 PMID: 25741868, with internal and published modifications).

NM_177972.3(TUB):c.1125C>T (p.Asn375=)

Genes: RIC3 (RIC3 acetylcholine receptor chaperone; minus strand), TUB (TUB bipartite transcription factor; plus strand). Cytogenetic location: 11p15.4.
Variant type: single nucleotide variant.
Coding change: c.1125C>T on transcript NM_177972.3 (MANE Select); coding-DNA position 1125, C replaced by T.
Protein change: p.Asn375=; no amino-acid change (asparagine 375 retained).
Molecular consequence: synonymous variant.
Genome position (GRCh38, 1-based): chr11:8,100,511, C>T. VCF-style: chr11-8100511-C-T. GRCh37 (hg19) VCF-style: chr11-8122058-C-T.
Other names: c.1290C>T, p.Asn430= (NM_003320.5).
Identifiers: ClinVar variation 728229 (VCV000728229.14), dbSNP rs138124865, ClinGen allele CA5871374.
Genomic context (GRCh38, chr11:8,100,511, plus strand): 5'-CCAGTAGGTAAATAGACGCCTCAGGTGGCCAGTGTTGCGTTCTCTTTCCCAGGAGACAAA[C>T]GTCTTAGGCTTCAAGGGGCCTCGGAAGATGAGCGTGATTGTCCCAGGCATGAACATGGTT-3'
Protein context (NP_813977.1, residues 365-385): QELAAVCYET[Asn375=]VLGFKGPRKM